The following is an entry in ClinVar:

ClinVar aggregate classification (germline): Likely pathogenic. Review status: criteria provided, multiple submitters, no conflicts (2 of 4 stars). 3 submissions from 3 submitters: Likely pathogenic (3). Last evaluated 2025-06-20.

Conditions:
Alport syndrome. Also called: Hemorrhagic familial nephritis; Hemorrhagic hereditary nephritis; Congenital hereditary hematuria. Identifiers: Orphanet 63, MedGen C1567741, MONDO:0018965.
COL4A3-related disorder. Also called: COL4A3-related condition; COL4A3-Related Disorders.

Allele frequency attached by ClinVar (database versions not stated): gnomAD exomes below 0.00001.

Submissions (3):

PreventionGenetics, part of Exact Sciences
Classification: Likely pathogenic for COL4A3-related condition. Last evaluated: 2025-06-20. Review status: criteria provided, single submitter. Criteria: ACMG Guidelines, 2015. Collection method: clinical testing. Allele origin: germline.
Comment: The COL4A3 c.3071-1G>A variant is predicted to disrupt the AG splice acceptor site and interfere with normal splicing. To our knowledge, this variant has not been reported in the literature or in a large population database (gnomAD), indicating this variant is rare. Variants that disrupt the consensus splice acceptor site in COL4A3 are expected to be pathogenic. This variant is interpreted as likely pathogenic.

Natera, Inc.
Classification: Likely pathogenic for Alport syndrome. Last evaluated: 2024-06-11. Review status: criteria provided, single submitter. Criteria: Natera Variant Classification Schema (03/2026). Collection method: clinical testing. Allele origin: germline.
Comment: The c.3071-1G>A variant in COL4A3 is a canonical splice acceptor site variant predicted to affect pre-mRNA splicing, which may result in an abnormal transcript and altered protein product. This variant is expected to result in nonsense mediated decay, truncation, or a dysfunctional protein product. This variant is rare in the general population with a frequency below the threshold expected for the associated phenotype(s). Given the available evidence, this variant is classified as Likely Pathogenic.

Labcorp Genetics (formerly Invitae), Labcorp
Classification: Likely pathogenic. Last evaluated: 2022-10-14. Review status: criteria provided, single submitter. Criteria: Invitae Variant Classification Sherloc (09022015). Collection method: clinical testing. Allele origin: germline.
Comment: In summary, the currently available evidence indicates that the variant is pathogenic, but additional data are needed to prove that conclusively. Therefore, this variant has been classified as Likely Pathogenic. Algorithms developed to predict the effect of sequence changes on RNA splicing suggest that this variant may disrupt the consensus splice site. This variant has not been reported in the literature in individuals affected with COL4A3-related conditions. This variant is not present in population databases (gnomAD no frequency). This sequence change affects an acceptor splice site in intron 36 of the COL4A3 gene. It is expected to disrupt RNA splicing. Variants that disrupt the donor or acceptor splice site typically lead to a loss of protein function (PMID: 16199547), and loss-of-function variants in COL4A3 are known to be pathogenic (PMID: 8956999, 24854265, 26809805, 27281700).

Literature cited by the submitters: PubMed 16199547 (cited by Labcorp Genetics (formerly Invitae), Labcorp); PubMed 8956999 (cited by Labcorp Genetics (formerly Invitae), Labcorp); PubMed 24854265 (cited by Labcorp Genetics (formerly Invitae), Labcorp); PubMed 26809805 (cited by Labcorp Genetics (formerly Invitae), Labcorp); PubMed 27281700 (cited by Labcorp Genetics (formerly Invitae), Labcorp).

NM_000091.5(COL4A3):c.3071-1G>A

Genes: COL4A3 (collagen type IV alpha 3 chain; plus strand), MFF-DT (MFF divergent transcript; minus strand). Cytogenetic location: 2q36.3.
Variant type: single nucleotide variant.
Coding change: c.3071-1G>A on transcript NM_000091.5 (MANE Select); the canonical splice acceptor site of the intron before coding-DNA position 3071, G replaced by A.
Molecular consequence: splice acceptor variant.
Genome position (GRCh38, 1-based): chr2:227,290,746, G>A. VCF-style: chr2-227290746-G-A. GRCh37 (hg19) VCF-style: chr2-228155462-G-A.
Other names: c.3071-1G>A (NM_000091.4).
Identifiers: ClinVar variation 1910410 (VCV001910410.7), dbSNP rs2469828189, ClinGen allele CA350855390.
Genomic context (GRCh38, chr2:227,290,746, plus strand): 5'-TAGAAAACTTCAAGATCCTCATGTTTATCTATTTTACTCTATGTTTTCCCCCTAATTTCA[G>A]GTTCTAAAGGAAAAAGGGGAACTTTGGGATTCCCAGGTCGAGCAGGAAGACCAGGCCTCC-3'